The following is an entry in ClinVar:

NM_000051.4(ATM):c.100A>G (p.Ile34Val)

Gene: ATM (ATM serine/threonine kinase; plus strand). Cytogenetic location: 11q22.3.
Variant type: single nucleotide variant.
Coding change: c.100A>G on transcript NM_000051.4 (MANE Select); coding-DNA position 100, A replaced by G.
Protein change: p.Ile34Val; replaces isoleucine 34 with valine.
Molecular consequence: missense variant.
Genome position (GRCh38, 1-based): chr11:108,227,803, A>G. VCF-style: chr11-108227803-A-G. GRCh37 (hg19) VCF-style: chr11-108098530-A-G.
Other names: c.100A>G, p.Ile34Val (NM_001351834.2, NM_001351835.2, NM_001351836.2); short protein forms I34V.
Identifiers: ClinVar variation 485215 (VCV000485215.17), dbSNP rs1555054094, ClinGen allele CA382519701.

ClinVar aggregate classification (germline): Conflicting classifications of pathogenicity. Review status: criteria provided, conflicting classifications (1 of 4 stars). 3 submissions from 3 submitters: Uncertain significance (2); Likely benign (1). Last evaluated 2025-10-10.

Conditions:
Hereditary cancer-predisposing syndrome. Also called: Hereditary neoplastic syndrome; Neoplastic Syndromes, Hereditary; Tumor predisposition; Hereditary Cancer Syndrome. Identifiers: Orphanet 140162, MedGen C0027672, MeSH D009386, MONDO:0015356.
Ataxia-telangiectasia syndrome (AT). Also called: LOUIS-BAR SYNDROME; Cerebello-oculocutaneous telangiectasia; Immunodeficiency with ataxia telangiectasia; AT, COMPLEMENTATION GROUP C; Ataxia-telangiectasia, complementation group D; ATAXIA-TELANGIECTASIA, COMPLEMENTATION GROUP A. Identifiers: Orphanet 100, MedGen C0004135, MONDO:0008840, OMIM 208900.

Submissions (3):

Ambry Genetics
Classification: Likely benign for Hereditary cancer-predisposing syndrome. Last evaluated: 2025-10-10. Review status: criteria provided, single submitter. Criteria: Ambry Variant Classification Scheme 2023. Collection method: clinical testing. Allele origin: germline.

Labcorp Genetics (formerly Invitae), Labcorp
Classification: Uncertain significance for Ataxia-telangiectasia syndrome. Last evaluated: 2025-03-05. Review status: criteria provided, single submitter. Criteria: Invitae Variant Classification Sherloc (09022015). Collection method: clinical testing. Allele origin: germline.
Comment: This sequence change replaces isoleucine, which is neutral and non-polar, with valine, which is neutral and non-polar, at codon 34 of the ATM protein (p.Ile34Val). This variant is not present in population databases (gnomAD no frequency). This variant has not been reported in the literature in individuals affected with ATM-related conditions. ClinVar contains an entry for this variant (Variation ID: 485215). Invitae Evidence Modeling of protein sequence and biophysical properties (such as structural, functional, and spatial information, amino acid conservation, physicochemical variation, residue mobility, and thermodynamic stability) indicates that this missense variant is not expected to disrupt ATM protein function with a negative predictive value of 95%. In summary, the available evidence is currently insufficient to determine the role of this variant in disease. Therefore, it has been classified as a Variant of Uncertain Significance.

Color Diagnostics, LLC DBA Color Health
Classification: Uncertain significance for Hereditary cancer-predisposing syndrome. Last evaluated: 2023-12-04. Review status: criteria provided, single submitter. Criteria: ACMG Guidelines, 2015. Collection method: clinical testing. Allele origin: germline.
Comment: This missense variant replaces isoleucine with valine at codon 34 of the ATM protein. Computational prediction suggests that this variant may not impact protein structure and function (internally defined REVEL score threshold <= 0.5, PMID: 27666373). To our knowledge, functional studies have not been reported for this variant. This variant has not been reported in individuals affected with ATM-related disorders in the literature. This variant has not been identified in the general population by the Genome Aggregation Database (gnomAD). The available evidence is insufficient to determine the role of this variant in disease conclusively. Therefore, this variant is classified as a Variant of Uncertain Significance.

Literature cited by the submitters: PubMed 40580951 (cited by Ambry Genetics).